The following is an entry in ClinVar:

NM_001145026.2(PTPRQ):c.4629A>C (p.Glu1543Asp)

Gene: PTPRQ (protein tyrosine phosphatase receptor type Q; plus strand). Cytogenetic location: 12q21.31.
Variant type: single nucleotide variant.
Coding change: c.4629A>C on transcript NM_001145026.2 (MANE Select); coding-DNA position 4629, A replaced by C.
Protein change: p.Glu1543Asp; replaces glutamic acid 1543 with aspartic acid.
Molecular consequence: missense variant.
Genome position (GRCh38, 1-based): chr12:80,605,078, A>C. VCF-style: chr12-80605078-A-C. GRCh37 (hg19) VCF-style: chr12-80998857-A-C.
Other names: short protein forms E1543D.
Identifiers: ClinVar variation 1211624 (VCV001211624.7), dbSNP rs139474037, ClinGen allele CA6702747.

ClinVar aggregate classification (germline): Likely benign. Review status: criteria provided, multiple submitters, no conflicts (2 of 4 stars). 4 submissions from 4 submitters: Likely benign (3). 1 of the submissions does not count toward it. Last evaluated 2024-06-27.

Conditions:
PTPRQ-related disorder. Also called: PTPRQ-related condition.

Allele frequency attached by ClinVar (database versions not stated): gnomAD exomes 0.00016 and 0.00033; ExAC 0.00087; gnomAD 0.00129 and 0.00132; TOPMed 0.00145; ESP Exome Variant Server 0.00197; 1000 Genomes Project 0.00220; 1000 Genomes Project 30x 0.00312.
gnomAD v4.1: 425 of 1,542,544 alleles (0.028%); highest among the groups gnomAD compares: African/African-American, 0.48%; 1 homozygote.

Submissions (4):

Blueprint Genetics
Classification: Likely benign. Last evaluated: 2024-06-27. Review status: criteria provided, single submitter. Criteria: ACMG Guidelines, 2015. Collection method: clinical testing. Allele origin: germline.

GeneDx
Classification: Likely benign. Last evaluated: 2020-11-06. Review status: criteria provided, single submitter. Criteria: GeneDx Variant Classification Process June 2021. Collection method: clinical testing. Allele origin: germline. Affected: yes.

Breakthrough Genomics
Classification: Likely benign. Review status: criteria provided, single submitter. Criteria: ACMG Guidelines, 2015. Collection method: not provided. Allele origin: germline. Inheritance: Autosomal recessive inheritance. Affected: yes.

PreventionGenetics, part of Exact Sciences
Classification: Likely benign for PTPRQ-related condition. Last evaluated: 2023-09-22. Review status: no assertion criteria provided. Collection method: clinical testing. Allele origin: germline. Not counted in ClinVar's aggregate classification.
Comment: This variant is classified as likely benign based on ACMG/AMP sequence variant interpretation guidelines (Richards et al. 2015 PMID: 25741868, with internal and published modifications).